The following is an entry in ClinVar:

NM_016816.4(OAS1):c.571A>G (p.Thr191Ala)

Gene: OAS1 (2'-5'-oligoadenylate synthetase 1; plus strand). Cytogenetic location: 12q24.13.
Variant type: single nucleotide variant.
Coding change: c.571A>G on transcript NM_016816.4 (MANE Select); coding-DNA position 571, A replaced by G.
Protein change: p.Thr191Ala; replaces threonine 191 with alanine.
Molecular consequence: missense variant. On other transcripts: non-coding transcript variant (9), intron variant (4).
Genome position (GRCh38, 1-based): chr12:112,911,152, A>G. VCF-style: chr12-112911152-A-G. GRCh37 (hg19) VCF-style: chr12-113348957-A-G.
Other names: c.571A>G, p.Thr191Ala (NM_001032409.3, NM_001320151.2, NM_001406022.1 and 1 more transcripts); c.524A>G, p.His175Arg (NM_001406020.1, NM_001406021.1, NM_001406023.1 and 2 more transcripts); c.180+3933A>G (NM_001406030.1, NM_001406029.1, NM_001406027.1 and 1 more transcripts); short protein forms T191A, H175R.
Identifiers: ClinVar variation 4731484 (VCV004731484.1).
Genomic context (GRCh38, chr12:112,911,152, plus strand): 5'-GTCAAGCTCATCGAGGAGTGCACCGACCTGCAGAAAGAGGGCGAGTTCTCCACCTGCTTC[A>G]CAGAACTACAGAGAGACTTCCTGAAGCAGCGCCCCACCAAGCTCAAGAGCCTCATCCGCC-3'
Protein context (NP_058132.2, residues 181-201): QKEGEFSTCF[Thr191Ala]ELQRDFLKQR

ClinVar aggregate classification (germline): Uncertain significance (1 of 4 stars; one submission).

gnomAD v4.1: 7 of 1,614,052 alleles (0.00043%); highest among the groups gnomAD compares: East Asian, 0.0022%; no homozygotes.

Submission:

Labcorp Genetics (formerly Invitae), Labcorp
Classification: Uncertain significance. Last evaluated: 2025-11-24. Review status: criteria provided, single submitter. Criteria: Invitae Variant Classification Sherloc (09022015). Collection method: clinical testing. Allele origin: germline.
Comment: This sequence change replaces threonine, which is neutral and polar, with alanine, which is neutral and non-polar, at codon 191 of the OAS1 protein (p.Thr191Ala). This variant is present in population databases (rs767529191, gnomAD 0.006%). This variant has not been reported in the literature in individuals affected with OAS1-related conditions. An algorithm developed to predict the effect of missense changes on protein structure and function (PolyPhen-2) suggests that this variant is likely to be disruptive. In summary, the available evidence is currently insufficient to determine the role of this variant in disease. Therefore, it has been classified as a Variant of Uncertain Significance.